The following is an entry in ClinVar:

NM_005560.6(LAMA5):c.2719G>A (p.Ala907Thr)

Gene: LAMA5 (laminin subunit alpha 5; minus strand). Cytogenetic location: 20q13.33.
Variant type: single nucleotide variant.
Coding change: c.2719G>A on transcript NM_005560.6 (MANE Select); coding-DNA position 2719, G replaced by A.
Protein change: p.Ala907Thr; replaces alanine 907 with threonine.
Molecular consequence: missense variant.
Genome position (GRCh38, 1-based): chr20:62,334,206, C>T on the plus strand (G>A on the coding strand, the complement: LAMA5 is on the minus strand). VCF-style: chr20-62334206-C-T. GRCh37 (hg19) VCF-style: chr20-60909262-C-T.
Other names: c.2719G>A (NM_005560.4); short protein forms A907T.
Identifiers: ClinVar variation 1487807 (VCV001487807.7), dbSNP rs754363517, ClinGen allele CA9943363.

ClinVar aggregate classification (germline): Uncertain significance. Review status: criteria provided, multiple submitters, no conflicts (2 of 4 stars). 2 submissions from 2 submitters: Uncertain significance (2). Last evaluated 2026-01-08.

Conditions:
LAMA5-related disorder. Also called: LAMA5-related condition; LAMA5-Related Disorders.

Allele frequency attached by ClinVar (database versions not stated): ExAC 0.00001; gnomAD exomes 0.00001; TOPMed 0.00001; gnomAD 0.00002.
gnomAD v4.1: 25 of 1,612,722 alleles (0.0016%); highest among the groups gnomAD compares: Non-Finnish European, 0.0017%; no homozygotes.

Submissions (2):

Labcorp Genetics (formerly Invitae), Labcorp
Classification: Uncertain significance. Last evaluated: 2026-01-08. Review status: criteria provided, single submitter. Criteria: Invitae Variant Classification Sherloc (09022015). Collection method: clinical testing. Allele origin: germline.
Comment: This sequence change replaces alanine, which is neutral and non-polar, with threonine, which is neutral and polar, at codon 907 of the LAMA5 protein (p.Ala907Thr). This variant is present in population databases (rs754363517, gnomAD 0.003%). This variant has not been reported in the literature in individuals affected with LAMA5-related conditions. ClinVar contains an entry for this variant (Variation ID: 1487807). An algorithm developed to predict the effect of missense changes on protein structure and function (PolyPhen-2) suggests that this variant is likely to be tolerated. In summary, the available evidence is currently insufficient to determine the role of this variant in disease. Therefore, it has been classified as a Variant of Uncertain Significance.

PreventionGenetics, part of Exact Sciences
Classification: Uncertain significance for LAMA5-related condition. Last evaluated: 2025-07-03. Review status: criteria provided, single submitter. Criteria: ACMG Guidelines, 2015. Collection method: clinical testing. Allele origin: germline.
Comment: The LAMA5 c.2719G>A variant is predicted to result in the amino acid substitution p.Ala907Thr. To our knowledge, this variant has not been reported in the literature. This variant is reported in 0.0033% of alleles in individuals of South Asian descent in gnomAD. At this time, the clinical significance of this variant is uncertain due to the absence of conclusive functional and genetic evidence.